The following is an entry in ClinVar:

NM_006766.5(KAT6A):c.1769G>A (p.Cys590Tyr)

Gene: KAT6A (lysine acetyltransferase 6A; minus strand). Cytogenetic location: 8p11.21.
Variant type: single nucleotide variant.
Coding change: c.1769G>A on transcript NM_006766.5 (MANE Select); coding-DNA position 1769, G replaced by A.
Protein change: p.Cys590Tyr; replaces cysteine 590 with tyrosine.
Molecular consequence: missense variant.
Genome position (GRCh38, 1-based): chr8:41,947,884, C>T on the plus strand (G>A on the coding strand, the complement: KAT6A is on the minus strand). VCF-style: chr8-41947884-C-T. GRCh37 (hg19) VCF-style: chr8-41805402-C-T.
Other names: c.1769G>A, p.Cys590Tyr (NM_001305878.2); short protein forms C590Y.
Identifiers: ClinVar variation 3369439 (VCV003369439.1).

ClinVar aggregate classification (germline): Uncertain significance (1 of 4 stars; one submission).

Submission:

GeneDx
Classification: Uncertain significance. Last evaluated: 2024-02-26. Review status: criteria provided, single submitter. Criteria: GeneDx Variant Classification Process June 2021. Collection method: clinical testing. Allele origin: germline. Affected: yes.
Comment: Not observed at significant frequency in large population cohorts (gnomAD); In silico analysis supports that this missense variant has a deleterious effect on protein structure/function; Has not been previously published as pathogenic or benign to our knowledge